The following is an entry in ClinVar:

ClinVar aggregate classification (germline): Pathogenic (1 of 4 stars; one submission).

Conditions:
Hereditary factor XI deficiency disease. Also called: PLASMA THROMBOPLASTIN ANTECEDENT DEFICIENCY; PTA DEFICIENCY; ROSENTHAL SYNDROME; Congenital factor XI deficiency. Identifiers: Orphanet 329, MedGen C0015523, MeSH D005173, MONDO:0012897, OMIM 612416.

Submission:

Myriad Genetics, Inc.
Classification: Pathogenic for Hereditary factor XI deficiency disease. Last evaluated: 2024-08-26. Review status: criteria provided, single submitter. Criteria: Myriad Autosomal Dominant, Autosomal Recessive and X-Linked Classification Criteria (2023). Collection method: clinical testing. Allele origin: unknown.
Comment: NM_000128.3(F11):c.1387dupG(V463Gfs*8) is expected to be pathogenic in the context of factor XI deficiency. This variant is predicted to lead to an abnormal or absent protein product due to the creation of a premature termination codon in F11, a gene where loss-of-function variants are known to be pathogenic. Please note: this variant was assessed in the context of healthy population screening.

NM_000128.4(F11):c.1387dup (p.Val463fs)

Gene: F11 (coagulation factor XI; plus strand). Cytogenetic location: 4q35.2.
Variant type: Duplication.
Coding change: c.1387dup on transcript NM_000128.4 (MANE Select); coding-DNA position 1387, one base duplicated (G; older notation c.1387dupG).
Protein change: p.Val463fs; shifts the reading frame from valine 463.
Molecular consequence: frameshift variant.
Genome position (GRCh38, 1-based): chr4:186,285,720, G duplicated; the last of 4 consecutive G bases (chr4:186,285,717-186,285,720); duplicating any one gives the same sequence. VCF-style (leftmost placement, unchanged base first): chr4-186285716-T-TG. GRCh37 (hg19) VCF-style: chr4-187206870-T-TG.
Other names: c.1339dup, p.Val447fs (NM_001440590.1, NM_001440596.1); c.1387dup, p.Val463fs (NM_001440593.1); c.1117dup, p.Val373fs (NM_001440605.1, NM_001440607.1); c.1069dup, p.Val357fs (NM_001440606.1, NM_001440608.1); short protein forms V357fs, V373fs, V447fs, V463fs.
Identifiers: ClinVar variation 5013496 (VCV005013496.1).
Genomic context (GRCh38, chr4:186,285,716, plus strand): 5'-TTTGCGTGTCTACAGTGGCATTTTAAATCAATCTGAAATAAAAGAGGACACATCTTTCTT[T>TG]GGGGTTCAAGAAATAATAATCCATGATCAGTATAAAATGGCAGAAAGCGGGTATGATATT-3'